The following is an entry in ClinVar:

ClinVar aggregate classification (germline): Pathogenic (1 of 4 stars; one submission).

Conditions:
Oligosynaptic infertility (SPGF1). Also called: SPERMATOGENIC FAILURE 1; OLIGOCHIASMATIC INFERTILITY. Identifiers: MedGen C0403810, MONDO:0009776, OMIM 258150.
46 XY differences of sex development. Also called: 46, XY disorder of sex development (DSD); 46,XY disorder of sex development. Identifiers: Orphanet 98085, MedGen C2751824, MONDO:0020040.

Submission:

Labcorp Genetics (formerly Invitae), Labcorp
Classification: Pathogenic for 46 XY differences of sex development; Oligosynaptic infertility. Last evaluated: 2023-04-09. Review status: criteria provided, single submitter. Criteria: Invitae Variant Classification Sherloc (09022015). Collection method: clinical testing. Allele origin: germline.
Comment: This variant is not present in population databases (gnomAD no frequency). For these reasons, this variant has been classified as Pathogenic. Algorithms developed to predict the effect of sequence changes on RNA splicing suggest that this variant may disrupt the consensus splice site. Disruption of this splice site has been observed in individual(s) with disorders of sex development (PMID: 30425642). In at least one individual the variant was observed to be de novo. This sequence change affects an acceptor splice site in intron 3 of the NR5A1 gene. It is expected to disrupt RNA splicing. Variants that disrupt the donor or acceptor splice site typically lead to a loss of protein function (PMID: 16199547), and loss-of-function variants in NR5A1 are known to be pathogenic (PMID: 10369247, 12907682, 19246354).

Literature cited by the submitters: PubMed 30425642; PubMed 16199547; PubMed 10369247; PubMed 12907682; PubMed 19246354.

NM_004959.5(NR5A1):c.245-2A>G

Gene: NR5A1 (nuclear receptor subfamily 5 group A member 1; minus strand). Cytogenetic location: 9q33.3.
Variant type: single nucleotide variant.
Coding change: c.245-2A>G on transcript NM_004959.5 (MANE Select); the canonical splice acceptor site of the intron before coding-DNA position 245, A replaced by G.
Molecular consequence: splice acceptor variant.
Genome position (GRCh38, 1-based): chr9:124,500,717, T>C on the plus strand (A>G on the coding strand, the complement: NR5A1 is on the minus strand). VCF-style: chr9-124500717-T-C. GRCh37 (hg19) VCF-style: chr9-127262996-T-C.
Identifiers: ClinVar variation 2944523 (VCV002944523.3), dbSNP rs2538684764, ClinGen allele CA374889184.
Genomic context (GRCh38, chr9:124,500,717, plus strand): 5'-CCGCTTGTACATCGGCCCAAACTTGTTCCGGCCACCCCTCATACGGTCAGCGCGCACGGC[T>C]GTGGGCAGGGGCAGAGGGTCAGACTCACCCTCTCTAAGCCCCCTTCCATGCTGCCCCACC-3'